The following is an entry in ClinVar:

NM_002180.3(IGHMBP2):c.1681dup (p.Ile561fs)

Gene: IGHMBP2 (immunoglobulin mu DNA binding protein 2; plus strand). Cytogenetic location: 11q13.3.
Variant type: Duplication.
Coding change: c.1681dup on transcript NM_002180.3 (MANE Select); coding-DNA position 1681, one base duplicated (A; older notation c.1681dupA).
Protein change: p.Ile561fs; shifts the reading frame from isoleucine 561.
Molecular consequence: frameshift variant.
Genome position (GRCh38, 1-based): chr11:68,935,347, A duplicated; the last of 3 consecutive A bases (chr11:68,935,345-68,935,347); duplicating any one gives the same sequence. VCF-style (leftmost placement, unchanged base first): chr11-68935344-G-GA. GRCh37 (hg19) VCF-style: chr11-68702812-G-GA.
Other names: c.1681dupA (NM_002180.2); short protein forms I561fs.
Identifiers: ClinVar variation 466583 (VCV000466583.7), dbSNP rs1555247732, ClinGen allele CA658658077.
Genomic context (GRCh38, chr11:68,935,344, plus strand): 5'-CGGCTGGTGTTTCAGGTGGACCTGCTCAGACAGAGCCTTGTGCACAGGCACCCTGAGCTT[G>GA]AAATCAAGTCTGTCGATGGCTTCCAAGGCCGAGAGAAGGAGGCCGTGATACTGTCCTTCG-3'

ClinVar aggregate classification (germline): Pathogenic (1 of 4 stars; one submission).

Conditions:
Charcot-Marie-Tooth disease axonal type 2S. Also called: CHARCOT-MARIE-TOOTH NEUROPATHY, TYPE 2S; CHARCOT-MARIE-TOOTH DISEASE, AXONAL, AUTOSOMAL RECESSIVE, TYPE 2S. Identifiers: Orphanet 443073, MedGen C4015349, MONDO:0014511, OMIM 616155.
Autosomal recessive distal spinal muscular atrophy 1. Also called: NEURONOPATHY, DISTAL HEREDITARY MOTOR, HARDING TYPE VI; NEUROPATHY, DISTAL HEREDITARY MOTOR, AUTOSOMAL RECESSIVE 1; HMN VI; NEURONOPATHY, SEVERE INFANTILE AXONAL, WITH RESPIRATORY FAILURE; SEVERE INFANTILE AXONAL NEUROPATHY WITH RESPIRATORY FAILURE; SPINAL MUSCULAR ATROPHY, DIAPHRAGMATIC. Identifiers: Orphanet 98920, MedGen C1858517, MONDO:0011436, OMIM 604320.

Submission:

Labcorp Genetics (formerly Invitae), Labcorp
Classification: Pathogenic for Autosomal recessive distal spinal muscular atrophy 1; Charcot-Marie-Tooth disease axonal type 2S. Last evaluated: 2023-10-03. Review status: criteria provided, single submitter. Criteria: Invitae Variant Classification Sherloc (09022015). Collection method: clinical testing. Allele origin: germline.
Comment: This sequence change creates a premature translational stop signal (p.Ile561Asnfs*27) in the IGHMBP2 gene. It is expected to result in an absent or disrupted protein product. Loss-of-function variants in IGHMBP2 are known to be pathogenic (PMID: 14681881, 25439726, 25568292). This variant is not present in population databases (gnomAD no frequency). This variant has not been reported in the literature in individuals affected with IGHMBP2-related conditions. ClinVar contains an entry for this variant (Variation ID: 466583). For these reasons, this variant has been classified as Pathogenic.

Literature cited by the submitters: PubMed 14681881; PubMed 25439726; PubMed 25568292.